The following is an entry in ClinVar:

NM_001999.4(FBN2):c.112C>T (p.Pro38Ser)

Gene: FBN2 (fibrillin 2; minus strand). Cytogenetic location: 5q23.3.
Variant type: single nucleotide variant.
Coding change: c.112C>T on transcript NM_001999.4 (MANE Select); coding-DNA position 112, C replaced by T.
Protein change: p.Pro38Ser; replaces proline 38 with serine.
Molecular consequence: missense variant.
Genome position (GRCh38, 1-based): chr5:128,537,492, G>A on the plus strand (C>T on the coding strand, the complement: FBN2 is on the minus strand). VCF-style: chr5-128537492-G-A. GRCh37 (hg19) VCF-style: chr5-127873185-G-A.
Other names: short protein forms P38S.
Identifiers: ClinVar variation 2176878 (VCV002176878.4), dbSNP rs972857604, ClinGen allele CA127059067.
Genomic context (GRCh38, chr5:128,537,492, plus strand): 5'-ACCCGCCTTCAGAGCCTGCTGTAGCGGACCGAACCTGTTGCGGCGGCGGCTGGGGCCGGG[G>A]CGGCTTGGGCGGAGGAGGCTGAGGCTGGCCGGCCGTGCCCTGCGCCCAGAGCACCACACA-3'
Protein context (NP_001990.2, residues 28-48): GQPQPPPPKP[Pro38Ser]RPQPPPQQVR

ClinVar aggregate classification (germline): Uncertain significance (1 of 4 stars; one submission).

Conditions:
Congenital contractural arachnodactyly (CCA). Also called: BEALS SYNDROME; Beals-Hecht syndrome; Arthrogryposis, distal, type 9. Identifiers: Orphanet 115, MedGen C0220668, MONDO:0007363, OMIM 121050.

Allele frequency attached by ClinVar (database versions not stated): gnomAD exomes below 0.00001; TOPMed below 0.00001.

Submission:

Labcorp Genetics (formerly Invitae), Labcorp
Classification: Uncertain significance for Congenital contractural arachnodactyly. Last evaluated: 2022-04-12. Review status: criteria provided, single submitter. Criteria: Invitae Variant Classification Sherloc (09022015). Collection method: clinical testing. Allele origin: germline.
Comment: In summary, the available evidence is currently insufficient to determine the role of this variant in disease. Therefore, it has been classified as a Variant of Uncertain Significance. This sequence change replaces proline, which is neutral and non-polar, with serine, which is neutral and polar, at codon 38 of the FBN2 protein (p.Pro38Ser). This variant is not present in population databases (gnomAD no frequency). This variant has not been reported in the literature in individuals affected with FBN2-related conditions. Advanced modeling of protein sequence and biophysical properties (such as structural, functional, and spatial information, amino acid conservation, physicochemical variation, residue mobility, and thermodynamic stability) performed at Invitae indicates that this missense variant is not expected to disrupt FBN2 protein function.